The following is an entry in ClinVar:

NM_015404.4(WHRN):c.1162G>A (p.Ala388Thr)

Gene: WHRN (whirlin; minus strand). Cytogenetic location: 9q32.
Variant type: single nucleotide variant.
Coding change: c.1162G>A on transcript NM_015404.4 (MANE Select); coding-DNA position 1162, G replaced by A.
Protein change: p.Ala388Thr; replaces alanine 388 with threonine.
Molecular consequence: missense variant.
Genome position (GRCh38, 1-based): chr9:114,426,215, C>T on the plus strand (G>A on the coding strand, the complement: WHRN is on the minus strand). VCF-style: chr9-114426215-C-T. GRCh37 (hg19) VCF-style: chr9-117188495-C-T.
Other names: c.13G>A, p.Ala5Thr (NM_001083885.3); c.1162G>A, p.Ala388Thr (NM_001173425.2); short protein forms A388T, A5T.
Identifiers: ClinVar variation 2011881 (VCV002011881.4), dbSNP rs774944578, ClinGen allele CA374609736.

ClinVar aggregate classification (germline): Uncertain significance (1 of 4 stars; one submission).

Submission:

Labcorp Genetics (formerly Invitae), Labcorp
Classification: Uncertain significance. Last evaluated: 2022-06-28. Review status: criteria provided, single submitter. Criteria: Invitae Variant Classification Sherloc (09022015). Collection method: clinical testing. Allele origin: germline.
Comment: The frequency data for this variant in the population databases is considered unreliable, as metrics indicate poor data quality at this position in the gnomAD database. This sequence change replaces alanine, which is neutral and non-polar, with threonine, which is neutral and polar, at codon 388 of the WHRN protein (p.Ala388Thr). In summary, the available evidence is currently insufficient to determine the role of this variant in disease. Therefore, it has been classified as a Variant of Uncertain Significance. Algorithms developed to predict the effect of missense changes on protein structure and function output the following: SIFT: "Tolerated"; PolyPhen-2: "Benign"; Align-GVGD: "Class C0". The threonine amino acid residue is found in multiple mammalian species, which suggests that this missense change does not adversely affect protein function. This variant has not been reported in the literature in individuals affected with WHRN-related conditions.